The following is an entry in ClinVar:

NM_001035.3(RYR2):c.9561G>C (p.Lys3187Asn)

Gene: RYR2 (ryanodine receptor 2; plus strand). Cytogenetic location: 1q43.
Variant type: single nucleotide variant.
Coding change: c.9561G>C on transcript NM_001035.3 (MANE Select); coding-DNA position 9561, G replaced by C.
Protein change: p.Lys3187Asn; replaces lysine 3187 with asparagine.
Molecular consequence: missense variant.
Genome position (GRCh38, 1-based): chr1:237,705,324, G>C. VCF-style: chr1-237705324-G-C. GRCh37 (hg19) VCF-style: chr1-237868624-G-C.
Other names: c.9561G>C, p.Lys3187Asn (LRG_402t1); short protein forms K3187N.
Identifiers: ClinVar variation 404233 (VCV000404233.18), dbSNP rs1060500168, ClinGen allele CA16610010.

ClinVar aggregate classification (germline): Conflicting classifications of pathogenicity. Review status: criteria provided, conflicting classifications (1 of 4 stars). 5 submissions from 5 submitters: Uncertain significance (4); Likely benign (1). Last evaluated 2025-04-09.

Conditions:
Cardiovascular phenotype. Identifiers: MedGen CN230736.
Arrhythmogenic right ventricular dysplasia 2. Identifiers: MedGen C1832931.
Ventricular arrhythmias due to cardiac ryanodine receptor calcium release deficiency syndrome. Also called: Autosomal dominant cardiac arrhythmia (Kuhn). Identifiers: MedGen C5542154, MONDO:0020745, OMIM 115000.
Catecholaminergic polymorphic ventricular tachycardia 1. Also called: VENTRICULAR TACHYCARDIA, CATECHOLAMINERGIC POLYMORPHIC, 1, WITH OR WITHOUT ATRIAL DYSFUNCTION AND/OR DILATED CARDIOMYOPATHY; RYR2-Related Catecholaminergic Polymorphic Ventricular Tachycardia; VENTRICULAR TACHYCARDIA, STRESS-INDUCED POLYMORPHIC 1. Identifiers: Orphanet 3286, MedGen C1631597, MONDO:0011484, OMIM 604772.
Catecholaminergic polymorphic ventricular tachycardia (CVPT). Also called: Catecholamine-induced polymorphic ventricular tachycardia. Identifiers: Orphanet 3286, MedGen C5574922, MONDO:0017990.
Cardiomyopathy (CMYO). Also called: Cardiomyopathies. Identifiers: Orphanet 167848, MedGen C0878544, MONDO:0004994, HP:0001638. Inheritance: Various modes of inheritance.

Allele frequency attached by ClinVar (database versions not stated): TOPMed 0.00002; gnomAD 0.00002; gnomAD exomes below 0.00001.
gnomAD v4.1: 5 of 1,605,034 alleles (0.00031%); highest among the groups gnomAD compares: Middle Eastern, 0.016%; no homozygotes.

Submissions (5):

Labcorp Genetics (formerly Invitae), Labcorp
Classification: Uncertain significance for Catecholaminergic polymorphic ventricular tachycardia 1. Last evaluated: 2025-04-09. Review status: criteria provided, single submitter. Criteria: Invitae Variant Classification Sherloc (09022015). Collection method: clinical testing. Allele origin: germline.
Comment: This sequence change replaces lysine, which is basic and polar, with asparagine, which is neutral and polar, at codon 3187 of the RYR2 protein (p.Lys3187Asn). The frequency data for this variant in the population databases is considered unreliable, as metrics indicate poor data quality at this position in the gnomAD database. This variant has not been reported in the literature in individuals affected with RYR2-related conditions. ClinVar contains an entry for this variant (Variation ID: 404233). Invitae Evidence Modeling of protein sequence and biophysical properties (such as structural, functional, and spatial information, amino acid conservation, physicochemical variation, residue mobility, and thermodynamic stability) indicates that this missense variant is not expected to disrupt RYR2 protein function with a negative predictive value of 95%. In summary, the available evidence is currently insufficient to determine the role of this variant in disease. Therefore, it has been classified as a Variant of Uncertain Significance.

Ambry Genetics
Classification: Likely benign for Cardiovascular phenotype. Last evaluated: 2025-03-04. Review status: criteria provided, single submitter. Criteria: Ambry Variant Classification Scheme 2023. Collection method: clinical testing. Allele origin: germline.

All of Us Research Program, National Institutes of Health
Classification: Uncertain significance for Catecholaminergic polymorphic ventricular tachycardia. Last evaluated: 2024-06-09. Review status: criteria provided, single submitter. Criteria: ACMG Guidelines, 2015. Collection method: clinical testing. Allele origin: germline. Inheritance: Autosomal dominant inheritance. Observed: 4 variant alleles, 4 heterozygotes.
Comment: This missense variant replaces lysine with asparagine at codon 3187 of the RYR2 protein. Computational prediction suggests that this variant may not impact protein structure and function (internally defined REVEL score threshold <= 0.5, PMID: 27666373). To our knowledge, functional studies have not been reported for this variant. This variant has not been reported in individuals affected with cardiovascular disorders in the literature. This variant has been identified in 3/266786 chromosomes in the general population by the Genome Aggregation Database (gnomAD). The available evidence is insufficient to determine the role of this variant in disease conclusively. Therefore, this variant is classified as a Variant of Uncertain Significance.

This study involves interpretation of variants in research participants for the purpose of population health screening. Participant phenotype was not available at the time of variant classification. Additional details can be found in publication PMID: 35346344, PMCID: PMC8962531

Color Diagnostics, LLC DBA Color Health
Classification: Uncertain significance for Cardiomyopathy. Last evaluated: 2024-03-06. Review status: criteria provided, single submitter. Criteria: ACMG Guidelines, 2015. Collection method: clinical testing. Allele origin: germline.
Comment: This missense variant replaces lysine with asparagine at codon 3187 of the RYR2 protein. Computational prediction suggests that this variant may not impact protein structure and function (internally defined REVEL score threshold <= 0.5, PMID: 27666373). To our knowledge, functional studies have not been reported for this variant. This variant has not been reported in individuals affected with cardiovascular disorders in the literature. This variant has been identified in 3/266786 chromosomes in the general population by the Genome Aggregation Database (gnomAD). The available evidence is insufficient to determine the role of this variant in disease conclusively. Therefore, this variant is classified as a Variant of Uncertain Significance.

Fulgent Genetics
Classification: Uncertain significance for Ventricular arrhythmias due to cardiac ryanodine receptor calcium release deficiency syndrome; Catecholaminergic polymorphic ventricular tachycardia 1. Last evaluated: 2021-08-09. Review status: criteria provided, single submitter. Criteria: ACMG Guidelines, 2015. Collection method: clinical testing. Allele origin: unknown.